The following is an entry in ClinVar:

NM_006060.6(IKZF1):c.607T>A (p.Cys203Ser)

Gene: IKZF1 (IKAROS family zinc finger 1; plus strand). Cytogenetic location: 7p12.2.
Variant type: single nucleotide variant.
Coding change: c.607T>A on transcript NM_006060.6 (MANE Select); coding-DNA position 607, T replaced by A.
Protein change: p.Cys203Ser; replaces cysteine 203 with serine.
Molecular consequence: missense variant. On other transcripts: intron variant (9).
Genome position (GRCh38, 1-based): chr7:50,387,362, T>A. VCF-style: chr7-50387362-T-A. GRCh37 (hg19) VCF-style: chr7-50455060-T-A.
Other names: c.346T>A, p.Cys116Ser (NM_001220767.2, NM_001291838.2); c.178T>A, p.Cys60Ser (NM_001291841.1, NM_001291842.1); c.667T>A, p.Cys223Ser (NM_001410879.1); c.329-4367T>A (NM_001291839.2, NM_001220770.2); c.590-4367T>A (NM_001220765.3, NM_001291837.2); c.589+4655T>A (NM_001220768.2); c.421+10569T>A (NM_001220771.2); c.161-4367T>A (NM_001291843.1, NM_001291844.1); and 1 more; short protein forms C116S, C60S, C223S, C203S.
Identifiers: ClinVar variation 3653643 (VCV003653643.2).

ClinVar aggregate classification (germline): Uncertain significance (1 of 4 stars; one submission).

Submission:

Labcorp Genetics (formerly Invitae), Labcorp
Classification: Uncertain significance. Last evaluated: 2025-09-02. Review status: criteria provided, single submitter. Criteria: Invitae Variant Classification Sherloc (09022015). Collection method: clinical testing. Allele origin: germline.
Comment: This sequence change replaces cysteine, which is neutral and slightly polar, with serine, which is neutral and polar, at codon 203 of the IKZF1 protein (p.Cys203Ser). This variant is not present in population databases (gnomAD no frequency). This variant has not been reported in the literature in individuals affected with IKZF1-related conditions. ClinVar contains an entry for this variant (Variation ID: 3653643). An algorithm developed to predict the effect of missense changes on protein structure and function (PolyPhen-2) suggests that this variant is likely to be disruptive. In summary, the available evidence is currently insufficient to determine the role of this variant in disease. Therefore, it has been classified as a Variant of Uncertain Significance.